The following is an entry in ClinVar:

NM_000338.3(SLC12A1):c.2177A>T (p.Lys726Met)

Gene: SLC12A1 (solute carrier family 12 member 1; plus strand). Cytogenetic location: 15q21.1.
Variant type: single nucleotide variant.
Coding change: c.2177A>T on transcript NM_000338.3 (MANE Select); coding-DNA position 2177, A replaced by T.
Protein change: p.Lys726Met; replaces lysine 726 with methionine.
Molecular consequence: missense variant.
Genome position (GRCh38, 1-based): chr15:48,267,583, A>T. VCF-style: chr15-48267583-A-T. GRCh37 (hg19) VCF-style: chr15-48559780-A-T.
Other names: c.2177A>T, p.Lys726Met (NM_001184832.2); short protein forms K726M.
Identifiers: ClinVar variation 64408 (VCV000064408.2), dbSNP rs387907464, ClinGen allele CA216078.

ClinVar aggregate classification (germline): Uncertain significance (0 of 4 stars; one submission).

Submission:

Martin Pollak Laboratory,  Beth Israel Deaconess Medical Center
Classification: Uncertain significance. Review status: no assertion criteria provided. Collection method: not provided. Allele origin: unknown.
Comment: Lower UCa2+ group
ClinVar note: Converted during submission from unknown to Uncertain significance.